The following is an entry in ClinVar:

ClinVar aggregate classification (germline): Uncertain significance (1 of 4 stars; one submission).

Allele frequency attached by ClinVar (database versions not stated): gnomAD exomes below 0.00001.
gnomAD v4.1: 1 of 1,614,058 alleles (0.000062%); highest among the groups gnomAD compares: Non-Finnish European, 0.000085%; no homozygotes.

Submission:

Labcorp Genetics (formerly Invitae), Labcorp
Classification: Uncertain significance. Last evaluated: 2023-01-02. Review status: criteria provided, single submitter. Criteria: Invitae Variant Classification Sherloc (09022015). Collection method: clinical testing. Allele origin: germline.
Comment: In summary, the available evidence is currently insufficient to determine the role of this variant in disease. Therefore, it has been classified as a Variant of Uncertain Significance. Algorithms developed to predict the effect of sequence changes on RNA splicing suggest that this variant may create or strengthen a splice site. This variant has not been reported in the literature in individuals affected with SLC16A1-related conditions. This variant is not present in population databases (gnomAD no frequency). This sequence change falls in intron 4 of the SLC16A1 gene. It does not directly change the encoded amino acid sequence of the SLC16A1 protein.

NM_003051.4(SLC16A1):c.1229-17T>G

Gene: SLC16A1 (solute carrier family 16 member 1; minus strand). Cytogenetic location: 1p13.2.
Variant type: single nucleotide variant.
Coding change: c.1229-17T>G on transcript NM_003051.4 (MANE Select); 17 bases into the intron before coding-DNA position 1229, T replaced by G.
Molecular consequence: intron variant.
Genome position (GRCh38, 1-based): chr1:112,914,182, A>C on the plus strand (T>G on the coding strand, the complement: SLC16A1 is on the minus strand). VCF-style: chr1-112914182-A-C. GRCh37 (hg19) VCF-style: chr1-113456804-A-C.
Other names: c.1229-17T>G (NM_001166496.2).
Identifiers: ClinVar variation 2090714 (VCV002090714.4), dbSNP rs754185298, ClinGen allele CA2580060818.